The following is an entry in ClinVar:

NM_018365.4(MNS1):c.375G>T (p.Glu125Asp)

Genes: MNS1 (meiosis specific nuclear structural 1; minus strand), TEX9 (testis expressed 9; plus strand). Cytogenetic location: 15q21.3.
Variant type: single nucleotide variant.
Coding change: c.375G>T on transcript NM_018365.4 (MANE Select); coding-DNA position 375, G replaced by T.
Protein change: p.Glu125Asp; replaces glutamic acid 125 with aspartic acid.
Molecular consequence: missense variant.
Genome position (GRCh38, 1-based): chr15:56,446,922, C>A on the plus strand (G>T on the coding strand, the complement: MNS1 is on the minus strand). VCF-style: chr15-56446922-C-A. GRCh37 (hg19) VCF-style: chr15-56739120-C-A.
Other names: short protein forms E125D.
Identifiers: ClinVar variation 1709309 (VCV001709309.1), dbSNP rs371046755, ClinGen allele CA7579585.

ClinVar aggregate classification (germline): Uncertain significance (1 of 4 stars; one submission).

Conditions:
Heterotaxy, visceral, 9, autosomal, with male infertility. Identifiers: MedGen C5394551, MONDO:0030070, OMIM 618948.

Allele frequency attached by ClinVar (database versions not stated): gnomAD 0.00002; TOPMed 0.00003; ExAC 0.00005; ESP Exome Variant Server 0.00008.
gnomAD v4.1: 65 of 1,608,464 alleles (0.004%); highest among the groups gnomAD compares: Middle Eastern, 0.016%; no homozygotes.

Submission:

MGZ Medical Genetics Center
Classification: Uncertain significance for Heterotaxy, visceral, 9, autosomal, with male infertility. Last evaluated: 2022-03-07. Review status: criteria provided, single submitter. Criteria: ACMG Guidelines, 2015. Collection method: clinical testing. Allele origin: germline. Affected: yes. Observed: 1 variant allele.
Comment: ACMG criteria applied: PM2_SUP, PM3_SUP